The following is an entry in ClinVar:

NM_007294.4(BRCA1):c.-13G>C

Gene: BRCA1 (BRCA1 DNA repair associated; minus strand). Cytogenetic location: 17q21.31.
Variant type: single nucleotide variant.
Coding change: c.-13G>C on transcript NM_007294.4 (MANE Select); 13 bases upstream of the start codon, G replaced by C.
Molecular consequence: 5 prime UTR variant. On other transcripts: non-coding transcript variant (1).
Genome position (GRCh38, 1-based): chr17:43,124,109, C>G on the plus strand (G>C on the coding strand, the complement: BRCA1 is on the minus strand). VCF-style: chr17-43124109-C-G. GRCh37 (hg19) VCF-style: chr17-41276126-C-G.
Other names: c.-13G>C (NM_001408411.1, NM_001408412.1, NM_001408413.1 and 169 more transcripts); c.-273G>C (NM_001408452.1, NM_001408462.1, NM_001408463.1 and 22 more transcripts); c.-100G>C (NM_001408454.1, NM_001408459.1, NM_001408460.1 and 21 more transcripts); c.-270G>C (NM_001408455.1, NM_001408456.1, NM_001408468.1 and 11 more transcripts); c.-274G>C (NM_001408465.1, NM_001407695.1); c.-201G>C (NM_001408478.1, NM_001408479.1, NM_001408480.1 and 42 more transcripts); c.-346G>C (NM_001408482.1); c.-317G>C (NM_001408492.1, NM_001407889.1); and 8 more.
Identifiers: ClinVar variation 864958 (VCV000864958.3), dbSNP rs431825383, ClinGen allele CA916081162.
Genomic context (GRCh38, chr17:43,124,109, plus strand): 5'-ATTAATGACATTTTGTACTTCTTCAACGCGAAGAGCAGATAAATCCATTTCTTTCTGTTC[C>G]AATGAACTTTAACACATTAGAAAAACATATATATATATCTTTTTAAAAGGTTTATAAAAT-3'

Conditions:
Breast-ovarian cancer, familial, susceptibility to, 1 (BROVCA1). Also called: BRCA1 Hereditary Breast and Ovarian Cancer; OVARIAN CANCER, SUSCEPTIBILITY TO. Identifiers: Orphanet 145, MedGen C2676676, MONDO:0011450, OMIM 604370. Disease mechanism: loss of function.

Submission:

Brotman Baty Institute, University of Washington
No classification provided (evidence only). Condition: Breast-ovarian cancer, familial 1. Review status: no classification provided. Collection method: in vitro. Allele origin: not applicable. Functional consequence: functionally_normal.
ClinVar note: "not provided" was previously submitted as the classification for the variant. However, the classification appeared to be based only on an observation of functional data so it was converted to no classification on 2025-07-30.